The following is an entry in ClinVar:

NM_000090.4(COL3A1):c.3160C>T (p.Pro1054Ser)

Gene: COL3A1 (collagen type III alpha 1 chain; plus strand). Cytogenetic location: 2q32.2.
Variant type: single nucleotide variant.
Coding change: c.3160C>T on transcript NM_000090.4 (MANE Select); coding-DNA position 3160, C replaced by T.
Protein change: p.Pro1054Ser; replaces proline 1054 with serine.
Molecular consequence: missense variant.
Genome position (GRCh38, 1-based): chr2:189,006,411, C>T. VCF-style: chr2-189006411-C-T. GRCh37 (hg19) VCF-style: chr2-189871137-C-T.
Other names: short protein forms P1054S.
Identifiers: ClinVar variation 1445591 (VCV001445591.8), dbSNP rs1576471847, ClinGen allele CA349845131.

ClinVar aggregate classification (germline): Uncertain significance (1 of 4 stars; one submission).

Conditions:
Ehlers-Danlos syndrome, type 4 (EDSVASC). Also called: Ehlers-Danlos syndrome vascular type; Ehlers Danlos syndrome, ecchymotic type; Ehlers Danlos syndrome, arterial type; Ehlers Danlos syndrome, Sack-Barabas type; Ehlers-Danlos Syndrome Type IV. Identifiers: Orphanet 286, MedGen C0268338, MONDO:0017314, OMIM 130050.

Submission:

Labcorp Genetics (formerly Invitae), Labcorp
Classification: Uncertain significance for Ehlers-Danlos syndrome, type 4. Last evaluated: 2022-07-05. Review status: criteria provided, single submitter. Criteria: Invitae Variant Classification Sherloc (09022015). Collection method: clinical testing. Allele origin: germline.
Comment: This missense change has been observed in individual(s) with clinical features of Ehlers-Danlos syndrome (Invitae). In summary, the available evidence is currently insufficient to determine the role of this variant in disease. Therefore, it has been classified as a Variant of Uncertain Significance. Advanced modeling of protein sequence and biophysical properties (such as structural, functional, and spatial information, amino acid conservation, physicochemical variation, residue mobility, and thermodynamic stability) performed at Invitae indicates that this missense variant is not expected to disrupt COL3A1 protein function. ClinVar contains an entry for this variant (Variation ID: 1445591). This variant is not present in population databases (gnomAD no frequency). This sequence change replaces proline, which is neutral and non-polar, with serine, which is neutral and polar, at codon 1054 of the COL3A1 protein (p.Pro1054Ser).